The following is an entry in ClinVar:

ClinVar aggregate classification (germline): Uncertain significance (1 of 4 stars; one submission).

Submission:

GeneDx
Classification: Uncertain significance. Last evaluated: 2022-10-28. Review status: criteria provided, single submitter. Criteria: GeneDx Variant Classification Process June 2021. Collection method: clinical testing. Allele origin: germline. Affected: yes.
Comment: Not observed at significant frequency in large population cohorts (gnomAD); In silico analysis supports that this variant does not alter splicing; Has not been previously published as pathogenic or benign to our knowledge

NM_080680.3(COL11A2):c.2103C>A (p.Thr701=)

Gene: COL11A2 (collagen type XI alpha 2 chain; minus strand). Cytogenetic location: 6p21.32.
Variant type: single nucleotide variant.
Coding change: c.2103C>A on transcript NM_080680.3 (MANE Select); coding-DNA position 2103, C replaced by A.
Protein change: p.Thr701=; no amino-acid change (threonine 701 retained).
Molecular consequence: synonymous variant.
Genome position (GRCh38, 1-based): chr6:33,176,733, G>T on the plus strand (C>A on the coding strand, the complement: COL11A2 is on the minus strand). VCF-style: chr6-33176733-G-T. GRCh37 (hg19) VCF-style: chr6-33144510-G-T.
Other names: c.1782C>A, p.Thr594= (NM_080679.3); c.1845C>A, p.Thr615= (NM_080681.3).
Identifiers: ClinVar variation 2500577 (VCV002500577.1), dbSNP rs2535105600, ClinGen allele CA449883863.